The following is an entry in ClinVar:

ClinVar aggregate classification (germline): Conflicting classifications of pathogenicity. Review status: criteria provided, conflicting classifications (1 of 4 stars). 5 submissions from 5 submitters: Uncertain significance (4); Likely benign (1). Last evaluated 2024-02-23.

Conditions:
Inborn genetic diseases. Identifiers: MedGen C0950123, MeSH D030342.
Methylmalonic acidemia with homocystinuria, type cblX (MAHCX). Also called: INTELLECTUAL DEVELOPMENTAL DISORDER, X-LINKED 3. Identifiers: Orphanet 369962, MedGen C0796208, MONDO:0010657, OMIM 309541.

Allele frequency attached by ClinVar (database versions not stated): gnomAD exomes 0.00002 and 0.00005; TOPMed 0.00002; ExAC 0.00001; gnomAD 0.00001 and 0.00002.

Submissions (5):

Labcorp Genetics (formerly Invitae), Labcorp
Classification: Uncertain significance for Methylmalonic acidemia with homocystinuria, type cblX. Last evaluated: 2024-02-23. Review status: criteria provided, single submitter. Criteria: Invitae Variant Classification Sherloc (09022015). Collection method: clinical testing. Allele origin: germline.
Comment: This sequence change replaces alanine, which is neutral and non-polar, with threonine, which is neutral and polar, at codon 477 of the HCFC1 protein (p.Ala477Thr). This variant is present in population databases (rs782010359, gnomAD 0.03%). This missense change has been observed in individual(s) with clinical features of HCFC1-related conditions (PMID: 25740848, 28554332). ClinVar contains an entry for this variant (Variation ID: 235900). Algorithms developed to predict the effect of missense changes on protein structure and function output the following: SIFT: "Not Available"; PolyPhen-2: "Benign"; Align-GVGD: "Not Available". The threonine amino acid residue is found in multiple mammalian species, which suggests that this missense change does not adversely affect protein function. In summary, the available evidence is currently insufficient to determine the role of this variant in disease. Therefore, it has been classified as a Variant of Uncertain Significance.

Ambry Genetics
Classification: Likely benign for Inborn genetic diseases. Last evaluated: 2022-08-23. Review status: criteria provided, single submitter. Criteria: Ambry Variant Classification Scheme 2023. Collection method: clinical testing. Allele origin: germline.

Victorian Clinical Genetics Services, Murdoch Childrens Research Institute
Classification: Uncertain significance for Methylmalonic acidemia with homocystinuria, type cblX. Last evaluated: 2020-10-19. Review status: criteria provided, single submitter. Criteria: ACMG Guidelines, 2015. Collection method: clinical testing. Allele origin: germline. Inheritance: X-linked recessive inheritance.
Comment: Based on the classification scheme VCGS_Germline_v1.3.3, this variant is classified as 3B-VUS. Following criteria are met: 0102 - Loss of function is a known mechanism of disease in this gene and is associated with HCFC1-related intellectual disability. (I) 0109 - This gene is associated with X-linked recessive disease. (I) 0200 - Variant is predicted to result in a missense amino acid change from alanine to threonine. (I) 0251 - This variant is heterozygous. (I) 0304 - Variant is present in gnomAD (v3) <0.01 for a recessive condition (1 heterozygote, 0 homozygotes, 1 hemizygote). (SP) 0503 - Missense variant consistently predicted to be tolerated by multiple in silico tools or not conserved in placental mammals with a minor amino acid change. (SB) 0603 - Missense variant in a region that is highly intolerant to missense variation (high constraint region in DECIPHER). (SP) 0809 - Previous evidence of pathogenicity for this variant is inconclusive. This variant has been reported as a variant of unknown significance in individuals with intellectual disability (ClinVar, PMID: 25740848, 28554332). (I) 0905 - No published segregation evidence has been identified for this variant. (I) 1007 - No published functional evidence has been identified for this variant. (I) 1208 - Inheritance information for this variant is not currently available in this individual. (I) Legend: (SP) - Supporting pathogenic, (I) - Information, (SB) - Supporting benign

GeneDx
Classification: Uncertain significance. Last evaluated: 2020-02-11. Review status: criteria provided, single submitter. Criteria: GeneDx Variant Classification Process June 2021. Collection method: clinical testing. Allele origin: germline. Affected: yes.
Comment: Reported hemizygous in individuals with intellectual disability and seizures (Jolly et al., 2015; Bowling et al., 2017); In silico analysis supports that this missense variant does not alter protein structure/function; This variant is associated with the following publications: (PMID: 25740848, 28554332)

HudsonAlpha Institute for Biotechnology
Classification: Uncertain significance for Methylmalonic acidemia with homocystinuria, type cblX. Last evaluated: 2016-03-17. Review status: criteria provided, single submitter. Criteria: HA_assertions_20161101. Collection method: research. Allele origin: maternal. Affected: yes. Observed: 1 variant allele. Study: CSER-HudsonAlpha.

Literature cited by the submitters: PubMed 25740848 (cited by 3 submitters); PubMed 28554332 (cited by 3 submitters).

NM_005334.3(HCFC1):c.1429G>A (p.Ala477Thr)

Gene: HCFC1 (host cell factor C1; minus strand). Cytogenetic location: Xq28.
Variant type: single nucleotide variant.
Coding change: c.1429G>A on transcript NM_005334.3 (MANE Select); coding-DNA position 1429, G replaced by A.
Protein change: p.Ala477Thr; replaces alanine 477 with threonine.
Molecular consequence: missense variant.
Genome position (GRCh38, 1-based): chrX:153,959,817, C>T on the plus strand (G>A on the coding strand, the complement: HCFC1 is on the minus strand). VCF-style: chrX-153959817-C-T. GRCh37 (hg19) VCF-style: chrX-153225268-C-T.
Other names: short protein forms A477T.
Identifiers: ClinVar variation 235900 (VCV000235900.8), dbSNP rs782010359, ClinGen allele CA10557513.